The following is an entry in ClinVar:

NM_213655.5(WNK1):c.3335C>T (p.Ala1112Val)

Gene: WNK1 (WNK lysine deficient protein kinase 1; plus strand). Cytogenetic location: 12p13.33.
Variant type: single nucleotide variant.
Coding change: c.3335C>T on transcript NM_213655.5 (MANE Plus Clinical); coding-DNA position 3335, C replaced by T.
Protein change: p.Ala1112Val; replaces alanine 1112 with valine.
Molecular consequence: missense variant. On other transcripts: intron variant (2).
Genome position (GRCh38, 1-based): chr12:868,806, C>T. VCF-style: chr12-868806-C-T. GRCh37 (hg19) VCF-style: chr12-977972-C-T.
Other names: c.3080C>T, p.Ala1027Val (NM_001184985.2); c.2140-2459C>T (NM_018979.4, NM_014823.3); short protein forms A1027V, A1112V.
Identifiers: ClinVar variation 1919569 (VCV001919569.5), dbSNP rs1245157534, ClinGen allele CA383341889.

ClinVar aggregate classification (germline): Uncertain significance (1 of 4 stars; one submission).

Conditions:
Pseudohypoaldosteronism type 2C (PHA2C). Also called: Pseudohypoaldosteronism Type IIC. Identifiers: Orphanet 757, Orphanet 88940, MedGen C1840391, MONDO:0013778, OMIM 614492.
Neuropathy, hereditary sensory and autonomic, type 2A (HSAN2A). Also called: ACROOSTEOLYSIS, GIACCAI TYPE; ACROOSTEOLYSIS, NEUROGENIC; MORVAN DISEASE; NEUROPATHY, CONGENITAL SENSORY; NEUROPATHY, HEREDITARY SENSORY RADICULAR, AUTOSOMAL RECESSIVE; HSAN IIA. Identifiers: Orphanet 970, MedGen C2752089, MONDO:0024309, OMIM 201300.

Allele frequency attached by ClinVar (database versions not stated): gnomAD 0.00001; gnomAD exomes 0.00001; TOPMed 0.00002.
gnomAD v4.1: 15 of 1,613,902 alleles (0.00093%); highest among the groups gnomAD compares: Non-Finnish European, 0.0011%; no homozygotes.

Submission:

Labcorp Genetics (formerly Invitae), Labcorp
Classification: Uncertain significance for Neuropathy, hereditary sensory and autonomic, type 2A; Pseudohypoaldosteronism type 2C. Last evaluated: 2025-09-24. Review status: criteria provided, single submitter. Criteria: Invitae Variant Classification Sherloc (09022015). Collection method: clinical testing. Allele origin: germline.
Comment: This sequence change replaces alanine, which is neutral and non-polar, with valine, which is neutral and non-polar, at codon 1112 of the WNK1 protein (p.Ala1112Val). This variant is present in population databases (no rsID available, gnomAD 0.004%). This variant has not been reported in the literature in individuals affected with WNK1-related conditions. ClinVar contains an entry for this variant (Variation ID: 1919569). Invitae Evidence Modeling of protein sequence and biophysical properties (such as structural, functional, and spatial information, amino acid conservation, physicochemical variation, residue mobility, and thermodynamic stability) indicates that this missense variant is not expected to disrupt WNK1 protein function with a negative predictive value of 95%. In summary, the available evidence is currently insufficient to determine the role of this variant in disease. Therefore, it has been classified as a Variant of Uncertain Significance.